The following is an entry in ClinVar:

NM_001278512.2(AP3B2):c.544C>G (p.Gln182Glu)

Genes: AP3B2 (adaptor related protein complex 3 subunit beta 2; minus strand), CPEB1-AS1 (CPEB1 antisense RNA 1; plus strand). Cytogenetic location: 15q25.2.
Variant type: single nucleotide variant.
Coding change: c.544C>G on transcript NM_001278512.2 (MANE Select); coding-DNA position 544, C replaced by G.
Protein change: p.Gln182Glu; replaces glutamine 182 with glutamic acid.
Molecular consequence: missense variant.
Genome position (GRCh38, 1-based): chr15:82,681,156, G>C on the plus strand (C>G on the coding strand, the complement: AP3B2 is on the minus strand). VCF-style: chr15-82681156-G-C. GRCh37 (hg19) VCF-style: chr15-83349908-G-C.
Other names: c.448C>G, p.Gln150Glu (NM_001278511.2); c.544C>G, p.Gln182Glu (NM_004644.5); c.544C>G (NM_004644.3); short protein forms Q150E, Q182E.
Identifiers: ClinVar variation 1362248 (VCV001362248.6), dbSNP rs753517676, ClinGen allele CA7700457.
Genomic context (GRCh38, chr15:82,681,156, plus strand): 5'-GCCCCTATACACGCACCGTGGTCTTGTCAGCCAGAAGCTTCTCAATGACTTCTATCAGCT[G>C]ATCCTTCTGGTCAGAGTCCAAACTGAGGGAGAAATCGGTGAGGGGAATTTGCCACTCTCA-3'
Protein context (NP_001265441.1, residues 172-192): LYSLDSDQKD[Gln182Glu]LIEVIEKLLA

ClinVar aggregate classification (germline): Uncertain significance. Review status: criteria provided, multiple submitters, no conflicts (2 of 4 stars). 2 submissions from 2 submitters: Uncertain significance (2). Last evaluated 2025-11-24.

Conditions:
Inborn genetic diseases. Identifiers: MedGen C0950123, MeSH D030342.

Allele frequency attached by ClinVar (database versions not stated): ExAC 0.00001; TOPMed 0.00001; gnomAD exomes 0.00001.
gnomAD v4.1: 2 of 1,612,606 alleles (0.00012%); highest among the groups gnomAD compares: Admixed American, 0.0033%; no homozygotes.

Submissions (2):

Ambry Genetics
Classification: Uncertain significance for Inborn genetic diseases. Last evaluated: 2025-11-24. Review status: criteria provided, single submitter. Criteria: Ambry Variant Classification Scheme 2023. Collection method: clinical testing. Allele origin: germline.
Comment: The c.544C>G (p.Q182E) alteration is located in exon 6 (coding exon 6) of the AP3B2 gene. This alteration results from a C to G substitution at nucleotide position 544, causing the glutamine (Q) at amino acid position 182 to be replaced by a glutamic acid (E). Based on data from gnomAD, the G allele has an overall frequency of 0.001% (2/246236) total alleles studied. The highest observed frequency was 0.006% (2/34138) of Latino alleles. Based on insufficient or conflicting evidence, the clinical significance of this alteration remains unclear.

Labcorp Genetics (formerly Invitae), Labcorp
Classification: Uncertain significance. Last evaluated: 2023-08-04. Review status: criteria provided, single submitter. Criteria: Invitae Variant Classification Sherloc (09022015). Collection method: clinical testing. Allele origin: germline.
Comment: This variant has not been reported in the literature in individuals affected with AP3B2-related conditions. This variant is present in population databases (rs753517676, gnomAD 0.006%). This sequence change replaces glutamine, which is neutral and polar, with glutamic acid, which is acidic and polar, at codon 182 of the AP3B2 protein (p.Gln182Glu). ClinVar contains an entry for this variant (Variation ID: 1362248). In summary, the available evidence is currently insufficient to determine the role of this variant in disease. Therefore, it has been classified as a Variant of Uncertain Significance. An algorithm developed to predict the effect of missense changes on protein structure and function (PolyPhen-2) suggests that this variant¬†is likely to be tolerated.